The following is an entry in ClinVar:

ClinVar aggregate classification (germline): Pathogenic (1 of 4 stars; one submission).

Submission:

Labcorp Genetics (formerly Invitae), Labcorp
Classification: Pathogenic. Last evaluated: 2023-10-04. Review status: criteria provided, single submitter. Criteria: Invitae Variant Classification Sherloc (09022015). Collection method: clinical testing. Allele origin: germline.
Comment: This sequence change creates a premature translational stop signal (p.Arg361Thrfs*46) in the TPO gene. It is expected to result in an absent or disrupted protein product. Loss-of-function variants in TPO are known to be pathogenic (PMID: 11061528, 23236987, 25564141). This variant is not present in population databases (gnomAD no frequency). This variant has not been reported in the literature in individuals affected with TPO-related conditions. For these reasons, this variant has been classified as Pathogenic.

Literature cited by the submitters: PubMed 11061528; PubMed 23236987; PubMed 25564141.

NM_001206744.2(TPO):c.1072_1079dup (p.Arg361fs)

Gene: TPO (thyroid peroxidase; plus strand). Cytogenetic location: 2p25.3.
Variant type: Duplication.
Coding change: c.1072_1079dup on transcript NM_001206744.2 (MANE Select); coding-DNA positions 1072 to 1079, 8 bases duplicated (GACTCCGG; older notation c.1072_1079dupGACTCCGG).
Protein change: p.Arg361fs; shifts the reading frame from arginine 361.
Molecular consequence: frameshift variant. On other transcripts: intron variant (1).
Genome position (GRCh38, 1-based): chr2:1,477,338-1,477,345, GACTCCGG duplicated; duplicating any 8 consecutive bases within chr2:1,477,332-1,477,345 gives the same sequence; the c. name uses the placement nearest the transcript's 3' end. VCF-style (leftmost placement, unchanged base first): chr2-1477331-C-CCTCCGGGA. GRCh37 (hg19) VCF-style: chr2-1481103-C-CCTCCGGGA.
Other names: c.1072_1079dup, p.Arg361fs (NM_000547.6, NM_001206745.2, NM_175719.4 and 1 more transcripts); c.820-7258_820-7251dup (NM_175722.3); short protein forms R361fs.
Identifiers: ClinVar variation 2765529 (VCV002765529.3), dbSNP rs2546096906, ClinGen allele CA2697547786.